The following is an entry in ClinVar:

NM_001363540.2(DOCK4):c.2689C>T (p.Pro897Ser)

Gene: DOCK4 (dedicator of cytokinesis 4; minus strand). Cytogenetic location: 7q31.1.
Variant type: single nucleotide variant.
Coding change: c.2689C>T on transcript NM_001363540.2 (MANE Select); coding-DNA position 2689, C replaced by T.
Protein change: p.Pro897Ser; replaces proline 897 with serine.
Molecular consequence: missense variant.
Genome position (GRCh38, 1-based): chr7:111,844,810, G>A on the plus strand (C>T on the coding strand, the complement: DOCK4 is on the minus strand). VCF-style: chr7-111844810-G-A. GRCh37 (hg19) VCF-style: chr7-111484866-G-A.
Other names: c.2689C>T, p.Pro897Ser (NM_014705.4); short protein forms P897S.
Identifiers: ClinVar variation 2664852 (VCV002664852.1), dbSNP rs2537041242, ClinGen allele CA368966672.

ClinVar aggregate classification (germline): Uncertain significance (1 of 4 stars; one submission).

Conditions:
Autism spectrum disorder. Also called: Autism spectrum disorders. Identifiers: MedGen C1510586, MeSH D000067877, MONDO:0005258.

Submission:

Genetics and Molecular Pathology, SA Pathology
Classification: Uncertain significance for Autism spectrum disorder. Last evaluated: 2021-01-08. Review status: criteria provided, single submitter. Criteria: ACMG Guidelines, 2015. Collection method: clinical testing. Allele origin: germline. Inheritance: Autosomal dominant inheritance. Affected: yes.
Comment: The DOCK4 gene encodes a protein which acts as a guanine nucleotide exchange factor and has been associated with regulating various processes of brain development. Recent studies have suggested DOCK4 is associated with neuropsychiatric disorders including autism spectrum disorder, dyslexia and schizophrenia (PMID: 32009906, 20346443, 31388105). The DOCK4 c.2689C>T variant is a single nucleotide change in exon 25 of the DOCK4 gene, which is predicted to change the amino acid proline at position 897 in the protein to serine. This variant is de novo but the gene has only few pathogenic variants, mainly deletions, reported to date (PS2_moderate). The variant has not been reported in dbSNP and is absent from population databases (PM2). It has not been reported in the ClinVar or HGMD disease databases. Computational predictions support a deleterious effect on the gene or gene product (PP3). The DOCK4 c.2689C>T variant is classified as a VARIANT OF UNCERTAIN SIGNIFICANCE (PS2_moderate, PM2, PP3)

Literature cited by the submitters: PubMed 20346443; PubMed 31388105; PubMed 32009906.